The following is an entry in ClinVar:

ClinVar aggregate classification (germline): Uncertain significance (1 of 4 stars; one submission).

Conditions:
Combined oxidative phosphorylation defect type 27. Also called: Combined oxidative phosphorylation deficiency 27. Identifiers: Orphanet 477774, MedGen C5567608, MONDO:0014728, OMIM 616672.

gnomAD v4.1: 24 of 1,607,374 alleles (0.0015%); highest among the groups gnomAD compares: Admixed American, 0.0034%; no homozygotes.

Submission:

Labcorp Genetics (formerly Invitae), Labcorp
Classification: Uncertain significance for Combined oxidative phosphorylation defect type 27. Last evaluated: 2022-04-20. Review status: criteria provided, single submitter. Criteria: Invitae Variant Classification Sherloc (09022015). Collection method: clinical testing. Allele origin: germline.
Comment: This sequence change replaces arginine, which is basic and polar, with proline, which is neutral and non-polar, at codon 498 of the CARS2 protein (p.Arg498Pro). This variant is present in population databases (rs778546592, gnomAD 0.004%). This variant has not been reported in the literature in individuals affected with CARS2-related conditions. Algorithms developed to predict the effect of missense changes on protein structure and function (SIFT, PolyPhen-2, Align-GVGD) all suggest that this variant is likely to be disruptive. In summary, the available evidence is currently insufficient to determine the role of this variant in disease. Therefore, it has been classified as a Variant of Uncertain Significance.

NM_024537.4(CARS2):c.1493G>C (p.Arg498Pro)

Gene: CARS2 (cysteinyl-tRNA synthetase 2, mitochondrial; minus strand). Cytogenetic location: 13q34.
Variant type: single nucleotide variant.
Coding change: c.1493G>C on transcript NM_024537.4 (MANE Select); coding-DNA position 1493, G replaced by C.
Protein change: p.Arg498Pro; replaces arginine 498 with proline.
Molecular consequence: missense variant. On other transcripts: non-coding transcript variant (2).
Genome position (GRCh38, 1-based): chr13:110,642,445, C>G on the plus strand (G>C on the coding strand, the complement: CARS2 is on the minus strand). VCF-style: chr13-110642445-C-G. GRCh37 (hg19) VCF-style: chr13-111294792-C-G.
Other names: c.707G>C, p.Arg236Pro (NM_001352252.2); short protein forms R236P, R498P.
Identifiers: ClinVar variation 2037687 (VCV002037687.1), dbSNP rs778546592, ClinGen allele CA7051631.